The following is an entry in ClinVar:

NM_004341.5(CAD):c.5561G>A (p.Arg1854Gln)

Gene: CAD (carbamoyl-phosphate synthetase 2, aspartate transcarbamylase, and dihydroorotase; plus strand). Cytogenetic location: 2p23.3.
Variant type: single nucleotide variant.
Coding change: c.5561G>A on transcript NM_004341.5 (MANE Select); coding-DNA position 5561, G replaced by A.
Protein change: p.Arg1854Gln; replaces arginine 1854 with glutamine.
Molecular consequence: missense variant.
Genome position (GRCh38, 1-based): chr2:27,240,329, G>A. VCF-style: chr2-27240329-G-A. GRCh37 (hg19) VCF-style: chr2-27463197-G-A.
Other names: c.5372G>A, p.Arg1791Gln (NM_001306079.2); short protein forms R1791Q, R1854Q.
Identifiers: ClinVar variation 1481207 (VCV001481207.13), dbSNP rs753204449, ClinGen allele CA1573920.
Genomic context (GRCh38, chr2:27,240,329, plus strand): 5'-CTGAAAGACCCCGCCGTGGCATCCCAGGGCTTCCTGATGGCCGCTTCCATCTGCCGCCCC[G>A]AATCCATCGAGCCTCCGACCCAGGTTTGCCAGGTAAGAGTGGGGTTCCTGTGACTCAGAG-3'
Protein context (NP_004332.2, residues 1844-1864): LPDGRFHLPP[Arg1854Gln]IHRASDPGLP

ClinVar aggregate classification (germline): Uncertain significance. Review status: criteria provided, multiple submitters, no conflicts (2 of 4 stars). 2 submissions from 2 submitters: Uncertain significance (2). Last evaluated 2025-06-01.

Allele frequency attached by ClinVar (database versions not stated): gnomAD 0.00005 and 0.00006.
gnomAD v4.1: 77 of 1,614,036 alleles (0.0048%); highest among the groups gnomAD compares: Non-Finnish European, 0.0057%; no homozygotes.

Submissions (2):

CeGaT Center for Human Genetics Tuebingen
Classification: Uncertain significance. Last evaluated: 2025-06-01. Review status: criteria provided, single submitter. Criteria: CeGaT Center For Human Genetics Tuebingen Variant Classification Criteria Version 2. Collection method: clinical testing. Allele origin: germline. Affected: yes. Observed: 1 variant allele.
Comment: CAD: PM2

Labcorp Genetics (formerly Invitae), Labcorp
Classification: Uncertain significance. Last evaluated: 2024-10-24. Review status: criteria provided, single submitter. Criteria: Invitae Variant Classification Sherloc (09022015). Collection method: clinical testing. Allele origin: germline.
Comment: This sequence change replaces arginine, which is basic and polar, with glutamine, which is neutral and polar, at codon 1854 of the CAD protein (p.Arg1854Gln). This variant is present in population databases (rs753204449, gnomAD 0.009%). This variant has not been reported in the literature in individuals affected with CAD-related conditions. ClinVar contains an entry for this variant (Variation ID: 1481207). An algorithm developed to predict the effect of missense changes on protein structure and function (PolyPhen-2) suggests that this variant is likely to be disruptive. In summary, the available evidence is currently insufficient to determine the role of this variant in disease. Therefore, it has been classified as a Variant of Uncertain Significance.